The following is an entry in ClinVar:

NM_024422.6(DSC2):c.1906T>G (p.Ser636Ala)

Gene: DSC2 (desmocollin 2; minus strand). Cytogenetic location: 18q12.1.
Variant type: single nucleotide variant.
Coding change: c.1906T>G on transcript NM_024422.6 (MANE Select); coding-DNA position 1906, T replaced by G.
Protein change: p.Ser636Ala; replaces serine 636 with alanine.
Molecular consequence: missense variant.
Genome position (GRCh38, 1-based): chr18:31,071,824, A>C on the plus strand (T>G on the coding strand, the complement: DSC2 is on the minus strand). VCF-style: chr18-31071824-A-C. GRCh37 (hg19) VCF-style: chr18-28651790-A-C.
Other names: c.1906T>G, p.Ser636Ala (NM_004949.5); c.1906T>G (NM_024422.3); short protein forms S636A.
Identifiers: ClinVar variation 1383038 (VCV001383038.9), dbSNP rs1191039477, ClinGen allele CA402113478.

ClinVar aggregate classification (germline): Uncertain significance. Review status: criteria provided, multiple submitters, no conflicts (2 of 4 stars). 2 submissions from 2 submitters: Uncertain significance (2). Last evaluated 2025-12-15.

Conditions:
Arrhythmogenic right ventricular dysplasia 11. Also called: Arrhythmogenic right ventricular dysplasia 11 with mild palmoplantar keratoderma and woolly hair; Arrhythmogenic Right Ventricular Dysplasia/Cardiomyopathy11; ARRHYTHMOGENIC RIGHT VENTRICULAR DYSPLASIA, FAMILIAL, 11. Identifiers: MedGen C1864850, MONDO:0012506, OMIM 610476.
Cardiovascular phenotype. Identifiers: MedGen CN230736.

Allele frequency attached by ClinVar (database versions not stated): gnomAD 0.00001; TOPMed below 0.00001.
gnomAD v4.1: 1 of 1,613,470 alleles (0.000062%); highest among the groups gnomAD compares: Non-Finnish European, 0.000085%; no homozygotes.

Submissions (2):

Labcorp Genetics (formerly Invitae), Labcorp
Classification: Uncertain significance for Arrhythmogenic right ventricular dysplasia 11. Last evaluated: 2025-12-15. Review status: criteria provided, single submitter. Criteria: Invitae Variant Classification Sherloc (09022015). Collection method: clinical testing. Allele origin: germline.
Comment: This sequence change replaces serine, which is neutral and polar, with alanine, which is neutral and non-polar, at codon 636 of the DSC2 protein (p.Ser636Ala). This variant is not present in population databases (gnomAD no frequency). This variant has not been reported in the literature in individuals affected with DSC2-related conditions. ClinVar contains an entry for this variant (Variation ID: 1383038). Invitae Evidence Modeling of protein sequence and biophysical properties (such as structural, functional, and spatial information, amino acid conservation, physicochemical variation, residue mobility, and thermodynamic stability) indicates that this missense variant is not expected to disrupt DSC2 protein function with a negative predictive value of 80%. In summary, the available evidence is currently insufficient to determine the role of this variant in disease. Therefore, it has been classified as a Variant of Uncertain Significance.

Ambry Genetics
Classification: Uncertain significance for Cardiovascular phenotype. Last evaluated: 2023-03-31. Review status: criteria provided, single submitter. Criteria: Ambry Variant Classification Scheme 2023. Collection method: clinical testing. Allele origin: germline.
Comment: The p.S636A variant (also known as c.1906T>G), located in coding exon 13 of the DSC2 gene, results from a T to G substitution at nucleotide position 1906. The serine at codon 636 is replaced by alanine, an amino acid with similar properties. This amino acid position is conserved. In addition, this alteration is predicted to be tolerated by in silico analysis. Since supporting evidence is limited at this time, the clinical significance of this alteration remains unclear.